The following is an entry in ClinVar:

ClinVar aggregate classification (germline): Uncertain significance (1 of 4 stars; one submission).

Conditions:
Familial cancer of breast. Also called: Hereditary breast cancer; hereditary breast carcinoma; BREAST CANCER, FAMILIAL. Identifiers: Orphanet 227535, MedGen C0346153, MONDO:0016419, OMIM 114480. Disease mechanism: loss of function.

Submission:

Labcorp Genetics (formerly Invitae), Labcorp
Classification: Uncertain significance for Familial cancer of breast. Last evaluated: 2021-02-22. Review status: criteria provided, single submitter. Criteria: Invitae Variant Classification Sherloc (09022015). Collection method: clinical testing. Allele origin: germline.
Comment: In summary, the available evidence is currently insufficient to determine the role of this variant in disease. Therefore, it has been classified as a Variant of Uncertain Significance. Algorithms developed to predict the effect of missense changes on protein structure and function output the following: SIFT: "Tolerated"; PolyPhen-2: "Benign"; Align-GVGD: "Class C0". The proline amino acid residue is found in multiple mammalian species, suggesting that this missense change does not adversely affect protein function. These predictions have not been confirmed by published functional studies and their clinical significance is uncertain. This variant has not been reported in the literature in individuals with CHEK2-related conditions. This variant is not present in population databases (ExAC no frequency). This sequence change replaces leucine with proline at codon 268 of the CHEK2 protein (p.Leu268Pro). The leucine residue is moderately conserved and there is a moderate physicochemical difference between leucine and proline.

NM_007194.4(CHEK2):c.803T>C (p.Leu268Pro)

Gene: CHEK2 (checkpoint kinase 2; minus strand). Cytogenetic location: 22q12.1.
Variant type: single nucleotide variant.
Coding change: c.803T>C on transcript NM_007194.4 (MANE Select); coding-DNA position 803, T replaced by C.
Protein change: p.Leu268Pro; replaces leucine 268 with proline.
Molecular consequence: missense variant.
Genome position (GRCh38, 1-based): chr22:28,710,049, A>G on the plus strand (T>C on the coding strand, the complement: CHEK2 is on the minus strand). VCF-style: chr22-28710049-A-G. GRCh37 (hg19) VCF-style: chr22-29106037-A-G.
Other names: c.932T>C, p.Leu311Pro (NM_001005735.3); c.140T>C, p.Leu47Pro (NM_001257387.3); c.602T>C, p.Leu201Pro (NM_001349956.3); c.803T>C, p.Leu268Pro (NM_145862.3); short protein forms L268P, L47P, L201P, L311P.
Identifiers: ClinVar variation 1518213 (VCV001518213.9), dbSNP rs2145933943, ClinGen allele CA411102484.